The following is an entry in ClinVar:

ClinVar aggregate classification (germline): Uncertain significance. Review status: criteria provided, multiple submitters, no conflicts (2 of 4 stars). 2 submissions from 2 submitters: Uncertain significance (2). Last evaluated 2025-04-10.

Conditions:
Hereditary cancer-predisposing syndrome. Also called: Hereditary neoplastic syndrome; Hereditary Cancer Syndrome; Neoplastic Syndromes, Hereditary; Tumor predisposition. Identifiers: Orphanet 140162, MedGen C0027672, MeSH D009386, MONDO:0015356.

Submissions (2):

Ambry Genetics
Classification: Uncertain significance for Hereditary cancer-predisposing syndrome. Last evaluated: 2025-04-10. Review status: criteria provided, single submitter. Criteria: Ambry Variant Classification Scheme 2023. Collection method: clinical testing. Allele origin: germline.
Comment: The p.W1824C variant (also known as c.5472G>T), located in coding exon 40 of the POLE gene, results from a G to T substitution at nucleotide position 5472. The tryptophan at codon 1824 is replaced by cysteine, an amino acid with highly dissimilar properties. This amino acid position is conserved. In addition, this alteration is predicted to be deleterious by in silico analysis. Based on the available evidence, the clinical significance of this variant remains unclear.

Labcorp Genetics (formerly Invitae), Labcorp
Classification: Uncertain significance. Last evaluated: 2021-09-29. Review status: criteria provided, single submitter. Criteria: Invitae Variant Classification Sherloc (09022015). Collection method: clinical testing. Allele origin: germline.
Comment: In summary, the available evidence is currently insufficient to determine the role of this variant in disease. Therefore, it has been classified as a Variant of Uncertain Significance. Algorithms developed to predict the effect of missense changes on protein structure and function (SIFT, PolyPhen-2, Align-GVGD) all suggest that this variant is likely to be disruptive. This variant has not been reported in the literature in individuals affected with POLE-related conditions. This variant is not present in population databases (ExAC no frequency). This sequence change replaces tryptophan with cysteine at codon 1824 of the POLE protein (p.Trp1824Cys). The tryptophan residue is highly conserved and there is a large physicochemical difference between tryptophan and cysteine.

NM_006231.4(POLE):c.5472G>T (p.Trp1824Cys)

Gene: POLE (DNA polymerase epsilon, catalytic subunit; minus strand). Cytogenetic location: 12q24.33.
Variant type: single nucleotide variant.
Coding change: c.5472G>T on transcript NM_006231.4 (MANE Select); coding-DNA position 5472, G replaced by T.
Protein change: p.Trp1824Cys; replaces tryptophan 1824 with cysteine.
Molecular consequence: missense variant.
Genome position (GRCh38, 1-based): chr12:132,639,205, C>A on the plus strand (G>T on the coding strand, the complement: POLE is on the minus strand). VCF-style: chr12-132639205-C-A. GRCh37 (hg19) VCF-style: chr12-133215791-C-A.
Other names: c.5472G>T (NM_006231.2); short protein forms W1824C.
Identifiers: ClinVar variation 1404021 (VCV001404021.7), dbSNP rs929928230, ClinGen allele CA387374693.